The following is an entry in ClinVar:

NM_001358530.2(MOCS1):c.484del (p.Arg162fs)

Gene: MOCS1 (molybdenum cofactor synthesis 1; minus strand). Cytogenetic location: 6p21.2.
Variant type: Deletion.
Coding change: c.484del on transcript NM_001358530.2 (MANE Select); coding-DNA position 484, one base deleted (C; older notation c.484delC).
Protein change: p.Arg162fs; shifts the reading frame from arginine 162.
Molecular consequence: frameshift variant. On other transcripts: non-coding transcript variant (1).
Genome position (GRCh38, 1-based): chr6:39,916,167, G deleted on the plus strand (C on the coding strand, the reverse complement: MOCS1 is on the minus strand); the first of 3 consecutive G bases (chr6:39,916,167-39,916,169); deleting any one gives the same sequence. VCF-style (leftmost placement, unchanged base first): chr6-39916166-CG-C. GRCh37 (hg19) VCF-style: chr6-39883910-CG-C.
Other names: c.484del, p.Arg162fs (NM_001075098.4, NM_001358529.2, NM_005943.6); c.223del, p.Arg75fs (NM_001358531.2, NM_001358533.2, NM_001358534.2); short protein forms R75fs, R162fs.
Identifiers: ClinVar variation 2045610 (VCV002045610.4), dbSNP rs2482336619, ClinGen allele CA2580074485.
Genomic context (GRCh38, chr6:39,916,166, plus strand): 5'-AGGGTGTCCAGGCTGATGTTGATGGCACTGAGACCAGCCTTCTGAAGCTGGGGCAGTAGC[CG>C]GGCCAGGTTGATGCCATTGGTGGTAACACCTATGGTTCTCAGCCCTTCCAGCCGCTGGAG-3'

ClinVar aggregate classification (germline): Pathogenic (1 of 4 stars; one submission).

Conditions:
Sulfite oxidase deficiency due to molybdenum cofactor deficiency type A. Also called: Molybdenum cofactor deficiency, complementation group A; Molybdenum Cofactor Deficiency A. Identifiers: Orphanet 308386, Orphanet 833, MedGen C1854988, MONDO:0009643, OMIM 252150.

Submission:

Labcorp Genetics (formerly Invitae), Labcorp
Classification: Pathogenic for Sulfite oxidase deficiency due to molybdenum cofactor deficiency type A. Last evaluated: 2022-07-25. Review status: criteria provided, single submitter. Criteria: Invitae Variant Classification Sherloc (09022015). Collection method: clinical testing. Allele origin: germline.
Comment: This sequence change creates a premature translational stop signal (p.Arg162Glyfs*53) in the MOCS1 gene. It is expected to result in an absent or disrupted protein product. Loss-of-function variants in MOCS1 are known to be pathogenic (PMID: 12754701, 16021469). For these reasons, this variant has been classified as Pathogenic. This variant has not been reported in the literature in individuals affected with MOCS1-related conditions. This variant is not present in population databases (gnomAD no frequency).

Literature cited by the submitters: PubMed 12754701; PubMed 16021469.